The following is an entry in ClinVar:

NM_001378454.1(ALMS1):c.2827C>T (p.Gln943Ter)

Gene: ALMS1 (ALMS1 centrosome and basal body associated protein; plus strand). Cytogenetic location: 2p13.1.
Variant type: single nucleotide variant.
Coding change: c.2827C>T on transcript NM_001378454.1 (MANE Select); coding-DNA position 2827, C replaced by T.
Protein change: p.Gln943Ter; replaces glutamine 943 with a stop codon.
Molecular consequence: nonsense.
Genome position (GRCh38, 1-based): chr2:73,449,354, C>T. VCF-style: chr2-73449354-C-T. GRCh37 (hg19) VCF-style: chr2-73676481-C-T.
Other names: c.2830C>T, p.Gln944Ter (NM_015120.4); short protein forms Q943*, Q944*.
Identifiers: ClinVar variation 2956994 (VCV002956994.3), dbSNP rs2466096040, ClinGen allele CA347272371.

ClinVar aggregate classification (germline): Pathogenic (1 of 4 stars; one submission).

Conditions:
Alstrom syndrome (ALMS). Identifiers: Orphanet 64, MedGen C0268425, MONDO:0008763, OMIM 203800.

Submission:

Labcorp Genetics (formerly Invitae), Labcorp
Classification: Pathogenic for Alstrom syndrome. Last evaluated: 2023-08-30. Review status: criteria provided, single submitter. Criteria: Invitae Variant Classification Sherloc (09022015). Collection method: clinical testing. Allele origin: germline.
Comment: For these reasons, this variant has been classified as Pathogenic. This variant has not been reported in the literature in individuals affected with ALMS1-related conditions. This variant is not present in population databases (gnomAD no frequency). This sequence change creates a premature translational stop signal (p.Gln944*) in the ALMS1 gene. It is expected to result in an absent or disrupted protein product. Loss-of-function variants in ALMS1 are known to be pathogenic (PMID: 17594715).

Literature cited by the submitters: PubMed 17594715.